The following is an entry in ClinVar:

NM_182961.4(SYNE1):c.611G>A (p.Gly204Glu)

Gene: SYNE1 (spectrin repeat containing nuclear envelope protein 1; minus strand). Cytogenetic location: 6q25.2.
Variant type: single nucleotide variant.
Coding change: c.611G>A on transcript NM_182961.4 (MANE Select); coding-DNA position 611, G replaced by A.
Protein change: p.Gly204Glu; replaces glycine 204 with glutamic acid.
Molecular consequence: missense variant.
Genome position (GRCh38, 1-based): chr6:152,505,368, C>T on the plus strand (G>A on the coding strand, the complement: SYNE1 is on the minus strand). VCF-style: chr6-152505368-C-T. GRCh37 (hg19) VCF-style: chr6-152826503-C-T.
Other names: c.632G>A, p.Gly211Glu (NM_033071.5); short protein forms G204E, G211E.
Identifiers: ClinVar variation 2953370 (VCV002953370.3), dbSNP rs1347421968, ClinGen allele CA366149186.

ClinVar aggregate classification (germline): Uncertain significance (1 of 4 stars; one submission).

Conditions:
Emery-Dreifuss muscular dystrophy 4, autosomal dominant (EDMD4). Also called: EMERY-DREIFUSS MUSCULAR DYSTROPHY 4 WITH VARIABLE FEATURES. Identifiers: Orphanet 261, MedGen C2751807, MONDO:0013071, OMIM 612998.
Autosomal recessive ataxia, Beauce type. Also called: SYNE1-Related Autosomal Recessive Cerebellar Ataxia; SYNE1 Deficiency; Spinocerebellar ataxia, autosomal recessive 8; ATAXIA, RECESSIVE, OF BEAUCE. Identifiers: Orphanet 88644, MedGen C1853116, MONDO:0012549, OMIM 610743.

Submission:

Labcorp Genetics (formerly Invitae), Labcorp
Classification: Uncertain significance for Emery-Dreifuss muscular dystrophy 4, autosomal dominant; Autosomal recessive ataxia, Beauce type. Last evaluated: 2023-11-21. Review status: criteria provided, single submitter. Criteria: Invitae Variant Classification Sherloc (09022015). Collection method: clinical testing. Allele origin: germline.
Comment: This sequence change replaces glycine, which is neutral and non-polar, with glutamic acid, which is acidic and polar, at codon 211 of the SYNE1 protein (p.Gly211Glu). This variant is not present in population databases (gnomAD no frequency). This variant has not been reported in the literature in individuals affected with SYNE1-related conditions. An algorithm developed to predict the effect of missense changes on protein structure and function (PolyPhen-2) suggests that this variant is likely to be disruptive. In summary, the available evidence is currently insufficient to determine the role of this variant in disease. Therefore, it has been classified as a Variant of Uncertain Significance.